The following is an entry in ClinVar:

NM_001276345.2(TNNT2):c.719+4G>C

Gene: TNNT2 (troponin T2, cardiac type; minus strand). Cytogenetic location: 1q32.1.
Variant type: single nucleotide variant.
Coding change: c.719+4G>C on transcript NM_001276345.2 (MANE Select); 4 bases into the intron after coding-DNA position 719, G replaced by C.
Molecular consequence: intron variant.
Genome position (GRCh38, 1-based): chr1:201,361,909, C>G on the plus strand (G>C on the coding strand, the complement: TNNT2 is on the minus strand). VCF-style: chr1-201361909-C-G. GRCh37 (hg19) VCF-style: chr1-201331037-C-G.
Other names: c.680+4G>C (NM_001406727.1, NM_001001431.3, NM_001406726.1); c.689+4G>C (NM_001406724.1, NM_001001430.3, NM_001276347.2); c.671+4G>C (NM_001001432.3); c.674+4G>C (NM_001406728.1); c.686+4G>C (NM_001406725.1); c.590+4G>C (NM_001276346.2); c.710+4G>C (NM_000364.4, NM_001406723.1).
Identifiers: ClinVar variation 4615122 (VCV004615122.1).

ClinVar aggregate classification (germline): Uncertain significance (1 of 4 stars; one submission).

Conditions:
Cardiovascular phenotype. Identifiers: MedGen CN230736.

gnomAD v4.1: 1 of 1,613,540 alleles (0.000062%); highest among the groups gnomAD compares: East Asian, 0.0022%; no homozygotes.

Submission:

Ambry Genetics
Classification: Uncertain significance for Cardiovascular phenotype. Last evaluated: 2025-10-10. Review status: criteria provided, single submitter. Criteria: Ambry Variant Classification Scheme 2023. Collection method: clinical testing. Allele origin: germline.
Comment: The c.689+4G>C intronic variant results from a G to C substitution 4 nucleotides after coding exon 12 in the TNNT2 gene. This nucleotide position is not well conserved in available vertebrate species. In silico splice site analysis predicts that this alteration will not have any significant effect on splicing. Based on the available evidence, the clinical significance of this variant remains unclear.